The following is an entry in ClinVar:

NC_000010.10:g.(?_94368757)_(94405419_?)del

Gene: KIF11 (kinesin family member 11; plus strand). Cytogenetic location: 10q23.33.
Variant type: Deletion.
Identifiers: ClinVar variation 1400554 (VCV001400554.7).

ClinVar aggregate classification (germline): Uncertain significance (1 of 4 stars; one submission).

Submission:

Labcorp Genetics (formerly Invitae), Labcorp
Classification: Uncertain significance. Last evaluated: 2022-10-05. Review status: criteria provided, single submitter. Criteria: Invitae Variant Classification Sherloc (09022015). Collection method: clinical testing. Allele origin: germline.
Comment: In summary, the available evidence is currently insufficient to determine the role of this variant in disease. Therefore, it has been classified as a Variant of Uncertain Significance. This variant disrupts a region of the KIF11 protein in which other variant(s) (p.His244Tyr) have been observed in individuals with KIF11-related conditions (PMID: 25115524). This suggests that this is a clinically significant region of the protein, and that variants that disrupt it are likely to be disease-causing. Experimental studies and prediction algorithms are not available or were not evaluated, and the functional significance of this variant is currently unknown. This variant has not been reported in the literature in individuals affected with KIF11-related conditions. This variant is a gross deletion of the genomic region encompassing exon(s) 5-18 of the KIF11 gene. This variant would be expected to be in-frame, preserving the integrity of the reading frame.

Literature cited by the submitters: PubMed 25115524.